The following is an entry in ClinVar:

ClinVar aggregate classification (germline): Uncertain significance (1 of 4 stars; one submission).

Conditions:
Charcot-Marie-Tooth disease axonal type 2O. Also called: CHARCOT-MARIE-TOOTH NEUROPATHY, AXONAL, TYPE 2O; CHARCOT-MARIE-TOOTH DISEASE, AXONAL, AUTOSOMAL DOMINANT, TYPE 2O; Charcot-Marie-Tooth Neuropathy Type 2O; Charcot-Marie-Tooth disease, axonal, type 20. Identifiers: Orphanet 284232, MedGen C3280220, MONDO:0013644, OMIM 614228.

Submission:

Labcorp Genetics (formerly Invitae), Labcorp
Classification: Uncertain significance for Charcot-Marie-Tooth disease axonal type 2O. Last evaluated: 2022-08-24. Review status: criteria provided, single submitter. Criteria: Invitae Variant Classification Sherloc (09022015). Collection method: clinical testing. Allele origin: germline.
Comment: This variant is not present in population databases (gnomAD no frequency). In summary, the available evidence is currently insufficient to determine the role of this variant in disease. Therefore, it has been classified as a Variant of Uncertain Significance. Algorithms developed to predict the effect of missense changes on protein structure and function are either unavailable or do not agree on the potential impact of this missense change (SIFT: "Deleterious"; PolyPhen-2: "Probably Damaging"; Align-GVGD: "Class C0"). This variant has not been reported in the literature in individuals affected with DYNC1H1-related conditions. This sequence change replaces histidine, which is basic and polar, with arginine, which is basic and polar, at codon 363 of the DYNC1H1 protein (p.His363Arg).

NM_001376.5(DYNC1H1):c.1088A>G (p.His363Arg)

Gene: DYNC1H1 (dynein cytoplasmic 1 heavy chain 1; plus strand). Cytogenetic location: 14q32.31.
Variant type: single nucleotide variant.
Coding change: c.1088A>G on transcript NM_001376.5 (MANE Select); coding-DNA position 1088, A replaced by G.
Protein change: p.His363Arg; replaces histidine 363 with arginine.
Molecular consequence: missense variant.
Genome position (GRCh38, 1-based): chr14:101,983,145, A>G. VCF-style: chr14-101983145-A-G. GRCh37 (hg19) VCF-style: chr14-102449482-A-G.
Other names: short protein forms H363R.
Identifiers: ClinVar variation 1717952 (VCV001717952.5), dbSNP rs2503685619, ClinGen allele CA391012991.
Genomic context (GRCh38, chr14:101,983,145, plus strand): 5'-ATTTGCTGTCTGCCACGGAGCTGGACAAAATAAGACAGGCGCTTGTTGCCATTTTCACAC[A>G]TTTGAGAAAGATCCGAAACACAAAATATCCTATTCAGAGGGCACTGCGTTTGGTGGAGGC-3'
Protein context (NP_001367.2, residues 353-373): IRQALVAIFT[His363Arg]LRKIRNTKYP